The following is an entry in ClinVar:

ClinVar aggregate classification (germline): Pathogenic (1 of 4 stars; one submission).

Conditions:
Loeys-Dietz syndrome 4 (LDS4). Also called: ANEURYSM, AORTIC AND CEREBRAL, WITH ARTERIAL TORTUOSITY AND SKELETAL MANIFESTATIONS; TGFB2-Related Loeys-Dietz Syndrome. Identifiers: MedGen C3553762, MONDO:0013897, OMIM 614816.

Submission:

Labcorp Genetics (formerly Invitae), Labcorp
Classification: Pathogenic for Loeys-Dietz syndrome 4. Last evaluated: 2022-08-16. Review status: criteria provided, single submitter. Criteria: Invitae Variant Classification Sherloc (09022015). Collection method: clinical testing. Allele origin: germline.
Comment: For these reasons, this variant has been classified as Pathogenic. This variant has not been reported in the literature in individuals affected with TGFB2-related conditions. This variant is a gross deletion of the genomic region encompassing exon(s) 1-4 of the TGFB2 gene, which includes the initiator codon. This deletion extends beyond the assayed region for this gene and therefore may encompass additional genes. It is expected to result in an absent or disrupted protein product. Loss-of-function variants in TGFB2 are known to be pathogenic (PMID: 22772368, 22772371, 30739908).

Literature cited by the submitters: PubMed 22772368; PubMed 22772371; PubMed 30739908.

NC_000001.10:g.(?_218520044)_(218607810_?)del

Gene: TGFB2 (transforming growth factor beta 2; plus strand). Cytogenetic location: 1q41.
Variant type: Deletion.
Identifiers: ClinVar variation 1455704 (VCV001455704.5).